The following is an entry in ClinVar:

NM_001042517.2(DIAPH3):c.2474C>T (p.Thr825Ile)

Gene: DIAPH3 (diaphanous related formin 3; minus strand). Cytogenetic location: 13q21.2.
Variant type: single nucleotide variant.
Coding change: c.2474C>T on transcript NM_001042517.2 (MANE Select); coding-DNA position 2474, C replaced by T.
Protein change: p.Thr825Ile; replaces threonine 825 with isoleucine.
Molecular consequence: missense variant.
Genome position (GRCh38, 1-based): chr13:59,879,362, G>A on the plus strand (C>T on the coding strand, the complement: DIAPH3 is on the minus strand). VCF-style: chr13-59879362-G-A. GRCh37 (hg19) VCF-style: chr13-60453496-G-A.
Other names: c.2441C>T, p.Thr814Ile (NM_001258366.2); c.2336C>T, p.Thr779Ile (NM_001258367.2); c.2264C>T, p.Thr755Ile (NM_001258368.2); c.2474C>T, p.Thr825Ile (NM_001258369.2); c.1685C>T, p.Thr562Ile (NM_001258370.2, NM_030932.4); short protein forms T562I, T814I, T779I, T825I, T755I.
Identifiers: ClinVar variation 2895587 (VCV002895587.3), dbSNP rs780132485, ClinGen allele CA6996375.

ClinVar aggregate classification (germline): Uncertain significance (1 of 4 stars; one submission).

Allele frequency attached by ClinVar (database versions not stated): ExAC 0.00001; gnomAD 0.00001; TOPMed 0.00001; gnomAD exomes 0.00003.
gnomAD v4.1: 44 of 1,613,774 alleles (0.0027%); highest among the groups gnomAD compares: Non-Finnish European, 0.0036%; no homozygotes.

Submission:

Labcorp Genetics (formerly Invitae), Labcorp
Classification: Uncertain significance. Last evaluated: 2022-12-20. Review status: criteria provided, single submitter. Criteria: Invitae Variant Classification Sherloc (09022015). Collection method: clinical testing. Allele origin: germline.
Comment: This sequence change replaces threonine, which is neutral and polar, with isoleucine, which is neutral and non-polar, at codon 825 of the DIAPH3 protein (p.Thr825Ile). In summary, the available evidence is currently insufficient to determine the role of this variant in disease. Therefore, it has been classified as a Variant of Uncertain Significance. Algorithms developed to predict the effect of missense changes on protein structure and function are either unavailable or do not agree on the potential impact of this missense change (SIFT: "Deleterious"; PolyPhen-2: "Possibly Damaging"; Align-GVGD: "Class C15"). This variant has not been reported in the literature in individuals affected with DIAPH3-related conditions. This variant is present in population databases (rs780132485, gnomAD 0.0009%).